The following is an entry in ClinVar:

NM_212481.3(ARID5A):c.1524G>A (p.Pro508=)

Gene: ARID5A (AT-rich interaction domain 5A; plus strand). Cytogenetic location: 2q11.2.
Variant type: single nucleotide variant.
Coding change: c.1524G>A on transcript NM_212481.3 (MANE Select); coding-DNA position 1524, G replaced by A.
Protein change: p.Pro508=; no amino-acid change (proline 508 retained).
Molecular consequence: synonymous variant.
Genome position (GRCh38, 1-based): chr2:96,552,052, G>A. VCF-style: chr2-96552052-G-A. GRCh37 (hg19) VCF-style: chr2-97217789-G-A.
Other names: c.1686G>A, p.Pro562= (NM_001319085.2); c.1683G>A, p.Pro561= (NM_001319087.2); c.1320G>A, p.Pro440= (NM_001319092.1); c.1032G>A, p.Pro344= (NM_001319093.2, NM_001319094.2, NM_001319096.2).
Identifiers: ClinVar variation 3055644 (VCV003055644.2), dbSNP rs36068522, ClinGen allele CA1780857.

ClinVar aggregate classification (germline): Likely benign (0 of 4 stars; one submission).

Conditions:
ARID5A-related disorder. Also called: ARID5A-related condition.

Allele frequency attached by ClinVar (database versions not stated): ExAC 0.00158; 1000 Genomes Project 30x 0.00390; 1000 Genomes Project 0.00439; gnomAD 0.00441; TOPMed 0.00509; ESP Exome Variant Server 0.00546.

Submission:

PreventionGenetics, part of Exact Sciences
Classification: Likely benign for ARID5A-related condition. Last evaluated: 2020-06-05. Review status: no assertion criteria provided. Collection method: clinical testing. Allele origin: germline.
Comment: This variant is classified as likely benign based on ACMG/AMP sequence variant interpretation guidelines (Richards et al. 2015 PMID: 25741868, with internal and published modifications).